The following is an entry in ClinVar:

NM_138691.3(TMC1):c.1404+4A>G

Gene: TMC1 (transmembrane channel like 1; plus strand). Cytogenetic location: 9q21.13.
Variant type: single nucleotide variant.
Coding change: c.1404+4A>G on transcript NM_138691.3 (MANE Select); 4 bases into the intron after coding-DNA position 1404, A replaced by G.
Molecular consequence: intron variant.
Genome position (GRCh38, 1-based): chr9:72,792,069, A>G. VCF-style: chr9-72792069-A-G. GRCh37 (hg19) VCF-style: chr9-75406985-A-G.
Identifiers: ClinVar variation 165437 (VCV000165437.5), dbSNP rs727503484, ClinGen allele CA178212.

ClinVar aggregate classification (germline): Uncertain significance (1 of 4 stars; one submission).

Allele frequency attached by ClinVar (database versions not stated): TOPMed below 0.00001; ExAC 0.00002; gnomAD exomes 0.00002 and 0.00003.
gnomAD v4.1: 17 of 1,613,972 alleles (0.0011%); highest among the groups gnomAD compares: Non-Finnish European, 0.0014%; no homozygotes.

Submission:

Laboratory for Molecular Medicine, Mass General Brigham Personalized Medicine
Classification: Uncertain significance. Last evaluated: 2014-07-24. Review status: criteria provided, single submitter. Criteria: LMM Criteria. Collection method: clinical testing. Allele origin: germline. Observed: 2 variant alleles.
Comment: The c.1404+4A>G variant in TMC1 has not been previously reported in individuals with hearing loss and was absent from large population studies. This variant is located in the 5' splice region and the adenine (A) base at position 1404+4 is h ighly conserved in mammals and across evolutionary distant species. Computationa l tools do not suggest an impact to splicing, though this information is not pre dictive enough to rule out pathogenicity. In summary, additional information is needed to fully assess the clinical significance of this variant.